The following is an entry in ClinVar:

ClinVar aggregate classification (germline): Conflicting classifications of pathogenicity. Review status: criteria provided, conflicting classifications (1 of 4 stars). 5 submissions from 5 submitters: Uncertain significance (4); Likely benign (1). Last evaluated 2026-01-05.

Conditions:
Hereditary cancer-predisposing syndrome. Also called: Tumor predisposition; Neoplastic Syndromes, Hereditary; Hereditary Cancer Syndrome; Hereditary neoplastic syndrome. Identifiers: Orphanet 140162, MedGen C0027672, MeSH D009386, MONDO:0015356.
Peutz-Jeghers syndrome (PJS). Also called: POLYPOSIS, HAMARTOMATOUS INTESTINAL; POLYPS-AND-SPOTS SYNDROME; Peutz-Jeghers polyposis; Periorificial lentiginosis syndrome. Identifiers: Orphanet 2869, MedGen C0031269, MeSH D010580, MONDO:0008280, OMIM 175200.

Allele frequency attached by ClinVar (database versions not stated): gnomAD 0.00003.
gnomAD v4.1: 2 of 1,611,848 alleles (0.00012%); highest among the groups gnomAD compares: Admixed American, 0.0017%; no homozygotes.

Submissions (5):

Labcorp Genetics (formerly Invitae), Labcorp
Classification: Likely benign for Peutz-Jeghers syndrome. Last evaluated: 2026-01-05. Review status: criteria provided, single submitter. Criteria: Invitae Variant Classification Sherloc (09022015). Collection method: clinical testing. Allele origin: germline.

Quest Diagnostics Nichols Institute San Juan Capistrano
Classification: Uncertain significance. Last evaluated: 2025-10-18. Review status: criteria provided, single submitter. Criteria: Quest Diagnostics criteria. Collection method: clinical testing. Allele origin: unknown.
Comment: The STK11 c.1063G>C (p.Asp355His) variant has not been reported in individuals with STK11-related conditions in the published literature. The frequency of this variant in the general population (Genome Aggregation Database) is uninformative in the assessment of its pathogenicity. Analysis of this variant using bioinformatics tools for the prediction of the effect of amino acid changes on protein structure and function yielded conflicting predictions that this variant is benign or damaging. Based on the available information, we are unable to determine the clinical significance of this variant.

Ambry Genetics
Classification: Uncertain significance for Hereditary cancer-predisposing syndrome. Last evaluated: 2025-08-22. Review status: criteria provided, single submitter. Criteria: Ambry Variant Classification Scheme 2023. Collection method: clinical testing. Allele origin: germline.
Comment: The p.D355H variant (also known as c.1063G>C), located in coding exon 8 of the STK11 gene, results from a G to C substitution at nucleotide position 1063. The aspartic acid at codon 355 is replaced by histidine, an amino acid with similar properties. This amino acid position is highly conserved in available vertebrate species. In addition, this alteration is predicted to be tolerated by in silico analysis. Based on the available evidence, the clinical significance of this variant remains unclear.

Genome-Nilou Lab
Classification: Uncertain significance for Peutz-Jeghers syndrome. Last evaluated: 2021-07-15. Review status: criteria provided, single submitter. Criteria: ACMG Guidelines, 2015. Collection method: clinical testing. Allele origin: germline. Affected: no.

Color Diagnostics, LLC DBA Color Health
Classification: Uncertain significance for Hereditary cancer-predisposing syndrome. Last evaluated: 2019-04-09. Review status: criteria provided, single submitter. Criteria: ACMG Guidelines, 2015. Collection method: clinical testing. Allele origin: germline.

NM_000455.5(STK11):c.1063G>C (p.Asp355His)

Genes: STK11 (serine/threonine kinase 11; plus strand), LOC130062899 (ATAC-STARR-seq lymphoblastoid active region 13597; plus strand). Cytogenetic location: 19p13.3.
Variant type: single nucleotide variant.
Coding change: c.1063G>C on transcript NM_000455.5 (MANE Select); coding-DNA position 1063, G replaced by C.
Protein change: p.Asp355His; replaces aspartic acid 355 with histidine.
Molecular consequence: missense variant.
Genome position (GRCh38, 1-based): chr19:1,223,127, G>C. VCF-style: chr19-1223127-G-C. GRCh37 (hg19) VCF-style: chr19-1223126-G-C.
Other names: short protein forms D355H.
Identifiers: ClinVar variation 492510 (VCV000492510.20), dbSNP rs769403473, ClinGen allele CA402951853.